The following is an entry in ClinVar:

ClinVar aggregate classification (germline): Conflicting classifications of pathogenicity. Review status: criteria provided, conflicting classifications (1 of 4 stars). 5 submissions from 5 submitters: Uncertain significance (4); Likely benign (1). Last evaluated 2023-12-23.

Conditions:
Hereditary cancer-predisposing syndrome. Also called: Hereditary Cancer Syndrome; Neoplastic Syndromes, Hereditary; Hereditary neoplastic syndrome; Tumor predisposition. Identifiers: Orphanet 140162, MedGen C0027672, MeSH D009386, MONDO:0015356.
Hereditary breast ovarian cancer syndrome. Also called: BRCA1- and BRCA2-Associated Hereditary Breast and Ovarian Cancer; Hereditary breast and ovarian cancer syndrome; Hereditary breast and/or ovarian cancer syndrome; Breast and ovarian cancer; Hereditary breast and ovarian cancer; Hereditary breast and ovarian cancer syndrome (HBOC). Identifiers: Orphanet 145, MedGen C0677776, MeSH D061325, MONDO:0003582. Disease mechanism: loss of function.

Submissions (5):

Ambry Genetics
Classification: Uncertain significance for Hereditary cancer-predisposing syndrome. Last evaluated: 2023-12-23. Review status: criteria provided, single submitter. Criteria: Ambry Variant Classification Scheme 2023. Collection method: clinical testing. Allele origin: germline.
Comment: The p.N781H variant (also known as c.2341A>C), located in coding exon 10 of the BRCA2 gene, results from an A to C substitution at nucleotide position 2341. The asparagine at codon 781 is replaced by histidine, an amino acid with similar properties. This amino acid position is not well conserved in available vertebrate species. In addition, this alteration is predicted to be tolerated by in silico analysis. Since supporting evidence is limited at this time, the clinical significance of this alteration remains unclear.

University of Washington Department of Laboratory Medicine, University of Washington
Classification: Likely benign for Hereditary cancer-predisposing syndrome. Last evaluated: 2023-03-23. Review status: criteria provided, single submitter. Criteria: Dines et al. (Genet Med. 2020). Collection method: curation. Allele origin: germline.
Comment: Missense variant in a coldspot region where missense variants are very unlikely to be pathogenic (PMID:31911673).

BRCA2 exon 11 coldspot. Reclassification based on statistical prior probability.

Labcorp Genetics (formerly Invitae), Labcorp
Classification: Uncertain significance for Hereditary breast ovarian cancer syndrome. Last evaluated: 2023-02-01. Review status: criteria provided, single submitter. Criteria: Invitae Variant Classification Sherloc (09022015). Collection method: clinical testing. Allele origin: germline.
Comment: Advanced modeling of protein sequence and biophysical properties (such as structural, functional, and spatial information, amino acid conservation, physicochemical variation, residue mobility, and thermodynamic stability) performed at Invitae indicates that this missense variant is not expected to disrupt BRCA2 protein function. ClinVar contains an entry for this variant (Variation ID: 142470). This variant has not been reported in the literature in individuals affected with BRCA2-related conditions. This variant is not present in population databases (gnomAD no frequency). This sequence change replaces asparagine, which is neutral and polar, with histidine, which is basic and polar, at codon 781 of the BRCA2 protein (p.Asn781His). In summary, the available evidence is currently insufficient to determine the role of this variant in disease. Therefore, it has been classified as a Variant of Uncertain Significance.

Women's Health and Genetics/Laboratory Corporation of America, LabCorp
Classification: Uncertain significance. Last evaluated: 2021-05-13. Review status: criteria provided, single submitter. Criteria: LabCorp Variant Classification Summary - May 2015. Collection method: clinical testing. Allele origin: germline.
Comment: Variant summary: BRCA2 c.2341A>C (p.Asn781His) results in a conservative amino acid change in the encoded protein sequence. Five of five in-silico tools predict a benign effect of the variant on protein function. The variant was absent in 250872 control chromosomes. The available data on variant occurrences in the general population are insufficient to allow any conclusion about variant significance. To our knowledge, no occurrence of c.2341A>C in individuals affected with Hereditary Breast And Ovarian Cancer Syndrome and no experimental evidence demonstrating its impact on protein function have been reported. Three clinical diagnostic laboratories have submitted clinical-significance assessments for this variant to ClinVar after 2014 without evidence for independent evaluation. All laboratories classified the variant as uncertain significance. Based on the evidence outlined above, the variant was classified as uncertain significance.

Quest Diagnostics Nichols Institute San Juan Capistrano
Classification: Uncertain significance. Last evaluated: 2019-06-07. Review status: criteria provided, single submitter. Criteria: Quest Diagnostics criteria. Collection method: clinical testing. Allele origin: germline.

NM_000059.4(BRCA2):c.2341A>C (p.Asn781His)

Gene: BRCA2 (BRCA2 DNA repair associated; plus strand). Cytogenetic location: 13q13.1.
Variant type: single nucleotide variant.
Coding change: c.2341A>C on transcript NM_000059.4 (MANE Select); coding-DNA position 2341, A replaced by C.
Protein change: p.Asn781His; replaces asparagine 781 with histidine.
Molecular consequence: missense variant.
Genome position (GRCh38, 1-based): chr13:32,336,696, A>C. VCF-style: chr13-32336696-A-C. GRCh37 (hg19) VCF-style: chr13-32910833-A-C.
Other names: short protein forms N781H.
Identifiers: ClinVar variation 142470 (VCV000142470.16), dbSNP rs587782485, ClinGen allele CA015005.